The following is an entry in ClinVar:

NM_003924.4(PHOX2B):c.838A>G (p.Ile280Val)

Gene: PHOX2B (paired like homeobox 2B; minus strand). Cytogenetic location: 4p13.
Variant type: single nucleotide variant.
Coding change: c.838A>G on transcript NM_003924.4 (MANE Select); coding-DNA position 838, A replaced by G.
Protein change: p.Ile280Val; replaces isoleucine 280 with valine.
Molecular consequence: missense variant.
Genome position (GRCh38, 1-based): chr4:41,745,914, T>C on the plus strand (A>G on the coding strand, the complement: PHOX2B is on the minus strand). VCF-style: chr4-41745914-T-C. GRCh37 (hg19) VCF-style: chr4-41747931-T-C.
Other names: short protein forms I280V.
Identifiers: ClinVar variation 840364 (VCV000840364.10), dbSNP rs1560465480, ClinGen allele CA356737040.
Genomic context (GRCh38, chr4:41,745,914, plus strand): 5'-TTTGGAGCGAAGATAGGACGCTGGCGAAGGGACCCCCAAGCGAATCCGGGATGGAGGTGA[T>C]GGGGCCGGGGCCGGGAGCCCAGCCTTGTCCAGGGCCCCCAGCCGCAGCCAGGCCTCCAGC-3'
Protein context (NP_003915.2, residues 270-290): GQGWAPGPGP[Ile280Val]TSIPDSLGGP

ClinVar aggregate classification (germline): Uncertain significance. Review status: criteria provided, multiple submitters, no conflicts (2 of 4 stars). 2 submissions from 2 submitters: Uncertain significance (2). Last evaluated 2025-08-06.

Conditions:
Hereditary cancer-predisposing syndrome. Also called: Neoplastic Syndromes, Hereditary; Tumor predisposition; Hereditary neoplastic syndrome; Hereditary Cancer Syndrome. Identifiers: Orphanet 140162, MedGen C0027672, MeSH D009386, MONDO:0015356.
Haddad syndrome (OHD). Also called: Ondine-Hirschsprung disease. Identifiers: Orphanet 99803, MedGen C1859049, MONDO:0020493.

Allele frequency attached by ClinVar (database versions not stated): gnomAD exomes below 0.00001.

Submissions (2):

Ambry Genetics
Classification: Uncertain significance for Hereditary cancer-predisposing syndrome. Last evaluated: 2025-08-06. Review status: criteria provided, single submitter. Criteria: Ambry Variant Classification Scheme 2023. Collection method: clinical testing. Allele origin: germline.
Comment: The p.I280V variant (also known as c.838A>G), located in coding exon 3 of the PHOX2B gene, results from an A to G substitution at nucleotide position 838. The isoleucine at codon 280 is replaced by valine, an amino acid with highly similar properties. This amino acid position is well conserved in available vertebrate species. In addition, this alteration is predicted to be tolerated by in silico analysis. Based on the available evidence, the clinical significance of this variant remains unclear.

Labcorp Genetics (formerly Invitae), Labcorp
Classification: Uncertain significance for Haddad syndrome. Last evaluated: 2021-04-13. Review status: criteria provided, single submitter. Criteria: Invitae Variant Classification Sherloc (09022015). Collection method: clinical testing. Allele origin: germline.
Comment: In summary, the available evidence is currently insufficient to determine the role of this variant in disease. Therefore, it has been classified as a Variant of Uncertain Significance. This variant has not been reported in the literature in individuals with PHOX2B-related conditions. This variant is not present in population databases (ExAC no frequency). This sequence change replaces isoleucine with valine at codon 280 of the PHOX2B protein (p.Ile280Val). The isoleucine residue is highly conserved and there is a small physicochemical difference between isoleucine and valine.